The following is an entry in ClinVar:

ClinVar aggregate classification (germline): Uncertain significance (1 of 4 stars; one submission).

Conditions:
Beckwith-Wiedemann syndrome (BWS). Also called: EMG SYNDROME; Exomphalos macroglossia gigantism syndrome. Identifiers: Orphanet 116, MedGen C0004903, MONDO:0007534, OMIM 130650.

Submission:

Labcorp Genetics (formerly Invitae), Labcorp
Classification: Uncertain significance for Beckwith-Wiedemann syndrome. Last evaluated: 2023-05-01. Review status: criteria provided, single submitter. Criteria: Invitae Variant Classification Sherloc (09022015). Collection method: clinical testing. Allele origin: germline.
Comment: This variant is not present in population databases (gnomAD no frequency). This sequence change replaces valine, which is neutral and non-polar, with leucine, which is neutral and non-polar, at codon 304 of the CDKN1C protein (p.Val304Leu). This variant has not been reported in the literature in individuals affected with CDKN1C-related conditions. In summary, the available evidence is currently insufficient to determine the role of this variant in disease. Therefore, it has been classified as a Variant of Uncertain Significance. Advanced modeling of protein sequence and biophysical properties (such as structural, functional, and spatial information, amino acid conservation, physicochemical variation, residue mobility, and thermodynamic stability) performed at Invitae indicates that this missense variant is not expected to disrupt CDKN1C protein function. ClinVar contains an entry for this variant (Variation ID: 1373266).

NM_001122630.2(CDKN1C):c.877G>C (p.Val293Leu)

Gene: CDKN1C (cyclin dependent kinase inhibitor 1C; minus strand). Cytogenetic location: 11p15.4.
Variant type: single nucleotide variant.
Coding change: c.877G>C on transcript NM_001122630.2 (MANE Select); coding-DNA position 877, G replaced by C.
Protein change: p.Val293Leu; replaces valine 293 with leucine.
Molecular consequence: missense variant. On other transcripts: synonymous variant (1).
Genome position (GRCh38, 1-based): chr11:2,884,045, C>G on the plus strand (G>C on the coding strand, the complement: CDKN1C is on the minus strand). VCF-style: chr11-2884045-C-G. GRCh37 (hg19) VCF-style: chr11-2905275-C-G.
Other names: c.910G>C, p.Val304Leu (NM_000076.2, NM_001362474.2); c.877G>C, p.Val293Leu (NM_001122631.2); c.345G>C, p.Ala115= (NM_001362475.2); short protein forms V304L, V293L.
Identifiers: ClinVar variation 1373266 (VCV001373266.6), dbSNP rs1848875591, ClinGen allele CA379144780.